The following is an entry in ClinVar:

ClinVar aggregate classification (germline): Likely benign. Review status: criteria provided, multiple submitters, no conflicts (2 of 4 stars). 2 submissions from 2 submitters: Likely benign (2). Last evaluated 2024-12-01.

Allele frequency attached by ClinVar (database versions not stated): ExAC 0.00023.

Submissions (2):

CeGaT Center for Human Genetics Tuebingen
Classification: Likely benign. Last evaluated: 2024-12-01. Review status: criteria provided, single submitter. Criteria: CeGaT Center For Human Genetics Tuebingen Variant Classification Criteria Version 2. Collection method: clinical testing. Allele origin: germline. Affected: yes. Observed: 3 variant alleles.
Comment: KMT2B: BP4, BP7

Labcorp Genetics (formerly Invitae), Labcorp
Classification: Likely benign. Last evaluated: 2022-09-21. Review status: criteria provided, single submitter. Criteria: Invitae Variant Classification Sherloc (09022015). Collection method: clinical testing. Allele origin: germline.

NM_014727.3(KMT2B):c.1305A>C (p.Pro435=)

Gene: KMT2B (lysine methyltransferase 2B; plus strand). Cytogenetic location: 19q13.12.
Variant type: single nucleotide variant.
Coding change: c.1305A>C on transcript NM_014727.3 (MANE Select); coding-DNA position 1305, A replaced by C.
Protein change: p.Pro435=; no amino-acid change (proline 435 retained).
Molecular consequence: synonymous variant.
Genome position (GRCh38, 1-based): chr19:35,720,652, A>C. VCF-style: chr19-35720652-A-C. GRCh37 (hg19) VCF-style: chr19-36211554-A-C.
Identifiers: ClinVar variation 1672131 (VCV001672131.30), dbSNP rs772084089, ClinGen allele CA9384211.
Genomic context (GRCh38, chr19:35,720,652, plus strand): 5'-ACCCCTCCCACCCCCTTCGACATCTCCTCCACCCCCACTCTGCCCTCCACCACCACCCCC[A>C]GTGTCCCCACCACCTCTACCATCCCCTCCACCGCCTCCTGCCCAAGAGGAGCAGGAGGAA-3'
Protein context (NP_055542.1, residues 425-445): PPPLCPPPPP[Pro435=]VSPPPLPSPP